The following is an entry in ClinVar:

NM_020631.6(PLEKHG5):c.3012-17_3012-6del

Gene: PLEKHG5 (pleckstrin homology and RhoGEF domain containing G5; minus strand). Cytogenetic location: 1p36.31.
Variant type: Deletion.
Coding change: c.3012-17_3012-6del on transcript NM_020631.6 (MANE Select); 17 bases into the intron before coding-DNA position 3012 through 6 bases into the intron before coding-DNA position 3012, 12 bases deleted (CCCTCCCCACCC).
Molecular consequence: intron variant.
Genome position (GRCh38, 1-based): chr1:6,467,578-6,467,589, GGGTGGGGAGGG deleted on the plus strand (CCCTCCCCACCC on the coding strand, the reverse complement: PLEKHG5 is on the minus strand); deleting any 12 consecutive bases within chr1:6,467,578-6,467,590 gives the same sequence; the c. name uses the placement nearest the transcript's 3' end. VCF-style (leftmost placement, unchanged base first): chr1-6467577-AGGGTGGGGAGGG-A. GRCh37 (hg19) VCF-style: chr1-6527637-AGGGTGGGGAGGG-A.
Other names: c.3012-17_3012-6del (NM_198681.4, NM_001042664.2, NM_001042665.2); c.3123-17_3123-6del (NM_001042663.3, NM_001265592.2); c.*19-17_*19-6del (NM_001265594.3); c.3219-17_3219-6del (NM_001265593.2).
Identifiers: ClinVar variation 1013640 (VCV001013640.6), dbSNP rs774593947, ClinGen allele CA561033.

ClinVar aggregate classification (germline): Uncertain significance (1 of 4 stars; one submission).

Conditions:
Neuronopathy, distal hereditary motor, autosomal recessive 4. Also called: Autosomal recessive lower motor neuron disease with childhood onset; NEUROPATHY, DISTAL HEREDITARY MOTOR, AUTOSOMAL RECESSIVE 4. Identifiers: Orphanet 206580, MedGen C1970211, MONDO:0012608, OMIM 611067.
Charcot-Marie-Tooth disease recessive intermediate C. Also called: CHARCOT-MARIE-TOOTH NEUROPATHY, RECESSIVE INTERMEDIATE C. Identifiers: Orphanet 369867, MedGen C3809309, MONDO:0014154, OMIM 615376.

Submission:

Labcorp Genetics (formerly Invitae), Labcorp
Classification: Uncertain significance for Neuronopathy, distal hereditary motor, autosomal recessive 4; Charcot-Marie-Tooth disease recessive intermediate C. Last evaluated: 2021-08-31. Review status: criteria provided, single submitter. Criteria: Invitae Variant Classification Sherloc (09022015). Collection method: clinical testing. Allele origin: germline.
Comment: This sequence change falls in intron 20 of the PLEKHG5 gene. It does not directly change the encoded amino acid sequence of the PLEKHG5 protein. The frequency data for this variant in the population databases is considered unreliable, as metrics indicate poor data quality at this position in the ExAC database. This variant has not been reported in the literature in individuals affected with PLEKHG5-related conditions. Algorithms developed to predict the effect of sequence changes on RNA splicing suggest that this variant may disrupt the consensus splice site. In summary, the available evidence is currently insufficient to determine the role of this variant in disease. Therefore, it has been classified as a Variant of Uncertain Significance.